The following is an entry in ClinVar:

NM_001376.5(DYNC1H1):c.3499G>T (p.Val1167Leu)

Gene: DYNC1H1 (dynein cytoplasmic 1 heavy chain 1; plus strand). Cytogenetic location: 14q32.31.
Variant type: single nucleotide variant.
Coding change: c.3499G>T on transcript NM_001376.5 (MANE Select); coding-DNA position 3499, G replaced by T.
Protein change: p.Val1167Leu; replaces valine 1167 with leucine.
Molecular consequence: missense variant.
Genome position (GRCh38, 1-based): chr14:101,995,235, G>T. VCF-style: chr14-101995235-G-T. GRCh37 (hg19) VCF-style: chr14-102461572-G-T.
Other names: short protein forms V1167L.
Identifiers: ClinVar variation 2818798 (VCV002818798.3), dbSNP rs2503715860, ClinGen allele CA391035324.

ClinVar aggregate classification (germline): Uncertain significance (1 of 4 stars; one submission).

Conditions:
Charcot-Marie-Tooth disease axonal type 2O. Also called: CHARCOT-MARIE-TOOTH NEUROPATHY, AXONAL, TYPE 2O; CHARCOT-MARIE-TOOTH DISEASE, AXONAL, AUTOSOMAL DOMINANT, TYPE 2O; Charcot-Marie-Tooth Neuropathy Type 2O; Charcot-Marie-Tooth disease, axonal, type 20. Identifiers: Orphanet 284232, MedGen C3280220, MONDO:0013644, OMIM 614228.

Submission:

Labcorp Genetics (formerly Invitae), Labcorp
Classification: Uncertain significance for Charcot-Marie-Tooth disease axonal type 2O. Last evaluated: 2023-01-26. Review status: criteria provided, single submitter. Criteria: Invitae Variant Classification Sherloc (09022015). Collection method: clinical testing. Allele origin: germline.
Comment: In summary, the available evidence is currently insufficient to determine the role of this variant in disease. Therefore, it has been classified as a Variant of Uncertain Significance. Advanced modeling of protein sequence and biophysical properties (such as structural, functional, and spatial information, amino acid conservation, physicochemical variation, residue mobility, and thermodynamic stability) has been performed at Invitae for this missense variant, however the output from this modeling did not meet the statistical confidence thresholds required to predict the impact of this variant on DYNC1H1 protein function. This variant has not been reported in the literature in individuals affected with DYNC1H1-related conditions. This variant is not present in population databases (gnomAD no frequency). This sequence change replaces valine, which is neutral and non-polar, with leucine, which is neutral and non-polar, at codon 1167 of the DYNC1H1 protein (p.Val1167Leu).